The following is an entry in ClinVar:

NM_000522.5(HOXA13):c.390C>G (p.Ala130=)

Genes: HOXA13 (homeobox A13; minus strand), LOC107126288 (NUP98-HOXA13 recombination region; plus strand). Cytogenetic location: 7p15.2.
Variant type: single nucleotide variant.
Coding change: c.390C>G on transcript NM_000522.5 (MANE Select); coding-DNA position 390, C replaced by G.
Protein change: p.Ala130=; no amino-acid change (alanine 130 retained).
Molecular consequence: synonymous variant.
Genome position (GRCh38, 1-based): chr7:27,199,688, G>C on the plus strand (C>G on the coding strand, the complement: HOXA13 is on the minus strand). VCF-style: chr7-27199688-G-C. GRCh37 (hg19) VCF-style: chr7-27239307-G-C.
Identifiers: ClinVar variation 3030848 (VCV003030848.2), dbSNP rs2534827756, ClinGen allele CA454513854.

ClinVar aggregate classification (germline): Likely benign (0 of 4 stars; one submission).

Conditions:
HOXA13-related disorder. Also called: HOXA13-related condition.

Submission:

PreventionGenetics, part of Exact Sciences
Classification: Likely benign for HOXA13-related condition. Last evaluated: 2022-06-02. Review status: no assertion criteria provided. Collection method: clinical testing. Allele origin: germline.
Comment: This variant is classified as likely benign based on ACMG/AMP sequence variant interpretation guidelines (Richards et al. 2015 PMID: 25741868, with internal and published modifications).